The following is an entry in ClinVar:

NM_016955.4(SEPSECS):c.1394G>A (p.Arg465Gln)

Gene: SEPSECS (Sep (O-phosphoserine) tRNA:Sec (selenocysteine) tRNA synthase; minus strand). Cytogenetic location: 4p15.2.
Variant type: single nucleotide variant.
Coding change: c.1394G>A on transcript NM_016955.4 (MANE Select); coding-DNA position 1394, G replaced by A.
Protein change: p.Arg465Gln; replaces arginine 465 with glutamine.
Molecular consequence: missense variant.
Genome position (GRCh38, 1-based): chr4:25,124,043, C>T on the plus strand (G>A on the coding strand, the complement: SEPSECS is on the minus strand). VCF-style: chr4-25124043-C-T. GRCh37 (hg19) VCF-style: chr4-25125665-C-T.
Other names: short protein forms R465Q.
Identifiers: ClinVar variation 130289 (VCV000130289.26), dbSNP rs115959591, ClinGen allele CA155169.

ClinVar aggregate classification (germline): Benign. Review status: criteria provided, multiple submitters, no conflicts (2 of 4 stars). 6 submissions from 6 submitters: Benign (5). 1 of the submissions does not count toward it. Last evaluated 2026-01-28.

Conditions:
Pontocerebellar hypoplasia type 2D (PCH2D). Also called: Progressive cerebello-cerebral atrophy. Identifiers: Orphanet 247198, Orphanet 2524, MedGen C3151140, MONDO:0013438, OMIM 613811.

Allele frequency attached by ClinVar (database versions not stated): gnomAD 0.00697; TOPMed 0.00710; ESP Exome Variant Server 0.00715; 1000 Genomes Project 0.00739; 1000 Genomes Project 30x 0.00812.
gnomAD v4.1: 2,164 of 1,613,730 alleles (0.13%); highest among the groups gnomAD compares: African/African-American, 2.2%; 20 homozygotes.

Submissions (6):

Labcorp Genetics (formerly Invitae), Labcorp
Classification: Benign. Last evaluated: 2026-01-28. Review status: criteria provided, single submitter. Criteria: Invitae Variant Classification Sherloc (09022015). Collection method: clinical testing. Allele origin: germline.

Genetic Services Laboratory, University of Chicago
Classification: Benign. Last evaluated: 2018-07-20. Review status: criteria provided, single submitter. Criteria: ACMG Guidelines, 2015. Collection method: clinical testing. Allele origin: germline. Affected: no.

GeneDx
Classification: Benign. Last evaluated: 2018-05-10. Review status: criteria provided, single submitter. Criteria: GeneDx Variant Classification Process June 2021. Collection method: clinical testing. Allele origin: germline. Affected: yes.

Illumina Laboratory Services, Illumina
Classification: Benign for Pontocerebellar hypoplasia type 2D. Last evaluated: 2018-01-12. Review status: criteria provided, single submitter. Criteria: ICSL Variant Classification Criteria 13 December 2019. Collection method: clinical testing. Allele origin: germline.
Comment: This variant was observed in the ICSL laboratory as part of a predisposition screen in an ostensibly healthy population. It had not been previously curated by ICSL or reported in the Human Gene Mutation Database (HGMD: prior to June 1st, 2018), and was therefore a candidate for classification through an automated scoring system. Utilizing variant allele frequency, disease prevalence and penetrance estimates, and inheritance mode, an automated score was calculated to assess if this variant is too frequent to cause the disease. Based on the score and internal cut-off values, a variant classified as benign is not then subjected to further curation. The score for this variant resulted in a classification of benign for this disease.

Breakthrough Genomics
Classification: Benign. Review status: criteria provided, single submitter. Criteria: ACMG Guidelines, 2015. Collection method: not provided. Allele origin: germline. Inheritance: Autosomal recessive inheritance. Affected: yes.

Natera, Inc.
Classification: Benign for Pontocerebellar hypoplasia type 2d. Last evaluated: 2020-06-24. Review status: no assertion criteria provided. Collection method: clinical testing. Allele origin: germline. Not counted in ClinVar's aggregate classification.